The following is an entry in ClinVar:

ClinVar aggregate classification (germline): Uncertain significance. Review status: criteria provided, single submitter (1 of 4 stars). 2 submissions from 2 submitters: Uncertain significance (1). 1 of the submissions does not count toward it. Last evaluated 2020-11-19.

Conditions:
Cardiovascular phenotype. Identifiers: MedGen CN230736.
Familial long QT syndrome (RWS). Also called: Congenital long QT syndrome; Romano-Ward syndrome; VENTRICULAR FIBRILLATION WITH PROLONGED QT INTERVAL. Identifiers: Orphanet 768, MedGen C1141890, MONDO:0019171.

Submissions (2):

Ambry Genetics
Classification: Uncertain significance for Cardiovascular phenotype. Last evaluated: 2020-11-19. Review status: criteria provided, single submitter. Criteria: Ambry Variant Classification Scheme 2023. Collection method: clinical testing. Allele origin: germline.

Cardiovascular Biomedical Research Unit, Royal Brompton & Harefield NHS Foundation Trust
No classification provided. Condition: Familial long QT syndrome. Review status: no classification provided. Collection method: literature only. Allele origin: germline. Not counted in ClinVar's aggregate classification.
Comment: This variant has been reported as associated with Long QT syndrome in the following publications (PMID:15043509;PMID:19371231). This is a literature report, and does not necessarily reflect the clinical interpretation of the Imperial College / Royal Brompton Cardiovascular Genetics laboratory.

Literature cited by the submitters: PubMed 15043509 (cited by Cardiovascular Biomedical Research Unit, Royal Brompton & Harefield NHS Foundation Trust); PubMed 19371231 (cited by Cardiovascular Biomedical Research Unit, Royal Brompton & Harefield NHS Foundation Trust); PubMed 22581653 (cited by Cardiovascular Biomedical Research Unit, Royal Brompton & Harefield NHS Foundation Trust).

NM_000238.4(KCNH2):c.371T>C (p.Met124Thr)

Gene: KCNH2 (potassium voltage-gated channel subfamily H member 2; minus strand). Cytogenetic location: 7q36.1.
Variant type: single nucleotide variant.
Coding change: c.371T>C on transcript NM_000238.4 (MANE Select); coding-DNA position 371, T replaced by C.
Protein change: p.Met124Thr; replaces methionine 124 with threonine.
Molecular consequence: missense variant.
Genome position (GRCh38, 1-based): chr7:150,959,673, A>G on the plus strand (T>C on the coding strand, the complement: KCNH2 is on the minus strand). VCF-style: chr7-150959673-A-G. GRCh37 (hg19) VCF-style: chr7-150656761-A-G.
Other names: c.371T>C (LRG_288t1); c.83T>C, p.Met28Thr (NM_001406753.1, NM_001406756.1); c.194T>C, p.Met65Thr (NM_001406755.1); c.71T>C, p.Met24Thr (NM_001406757.1); c.371T>C, p.Met124Thr (NM_172056.3); short protein forms M124T, M24T, M28T, M65T.
Identifiers: ClinVar variation 67500 (VCV000067500.5), dbSNP rs199472862, ClinGen allele CA008362.
Genomic context (GRCh38, chr7:150,959,673, plus strand): 5'-TCATGAGCCGGGGACCCCACCATGTCCTTCTCCATCACCACCTCGAAATTGAGGATGAAC[A>G]TGATGACAGCCCCATCCTCGTTCTTCACGGGCACCACATCCACCAGACATAGGAAGCAGC-3'
Protein context (NP_000229.1, residues 114-134): PVKNEDGAVI[Met124Thr]FILNFEVVME